The following is an entry in ClinVar:

ClinVar aggregate classification (germline): Uncertain significance. Review status: criteria provided, multiple submitters, no conflicts (2 of 4 stars). 2 submissions from 2 submitters: Uncertain significance (2). Last evaluated 2025-04-17.

Conditions:
Inborn genetic diseases. Identifiers: MedGen C0950123, MeSH D030342.

Allele frequency attached by ClinVar (database versions not stated): gnomAD 0.00004; 1000 Genomes Project 30x 0.00031.

Submissions (2):

Women's Health and Genetics/Laboratory Corporation of America, LabCorp
Classification: Uncertain significance. Last evaluated: 2025-04-17. Review status: criteria provided, single submitter. Criteria: LabCorp Variant Classification Summary - May 2015. Collection method: clinical testing. Allele origin: germline.
Comment: Variant summary: KCNC3 c.2215G>A (p.Gly739Ser) results in a non-conservative amino acid change in the encoded protein sequence. Four of five in-silico tools predict a benign effect of the variant on protein function. The variant allele was found at a frequency of 4.1e-05 in 49352 control chromosomes. The available data on variant occurrences in the general population are insufficient to allow any conclusion about variant significance. To our knowledge, no occurrence of c.2215G>A in individuals affected with Spinocerebellar Ataxia Type 13 and no experimental evidence demonstrating its impact on protein function have been reported. ClinVar contains an entry for this variant (Variation ID: 2212130). Based on the evidence outlined above, the variant was classified as uncertain significance.

Ambry Genetics
Classification: Uncertain significance for Inborn genetic diseases. Last evaluated: 2022-04-12. Review status: criteria provided, single submitter. Criteria: Ambry Variant Classification Scheme 2023. Collection method: clinical testing. Allele origin: germline.

NM_004977.3(KCNC3):c.2215G>A (p.Gly739Ser)

Gene: KCNC3 (potassium voltage-gated channel subfamily C member 3; minus strand). Cytogenetic location: 19q13.33.
Variant type: single nucleotide variant.
Coding change: c.2215G>A on transcript NM_004977.3 (MANE Select); coding-DNA position 2215, G replaced by A.
Protein change: p.Gly739Ser; replaces glycine 739 with serine.
Molecular consequence: missense variant.
Genome position (GRCh38, 1-based): chr19:50,320,305, C>T on the plus strand (G>A on the coding strand, the complement: KCNC3 is on the minus strand). VCF-style: chr19-50320305-C-T. GRCh37 (hg19) VCF-style: chr19-50823562-C-T.
Other names: c.1987G>A, p.Gly663Ser (NM_001372305.1); short protein forms G663S, G739S.
Identifiers: ClinVar variation 2212130 (VCV002212130.4), dbSNP rs748690644, ClinGen allele CA9594060.